The following is an entry in ClinVar:

NM_002427.4(MMP13):c.190A>C (p.Met64Leu)

Genes: MMP13 (matrix metallopeptidase 13; minus strand), LOC126861318 (BRD4-independent group 4 enhancer GRCh37_chr11:102825894-102827093; plus strand). Cytogenetic location: 11q22.2.
Variant type: single nucleotide variant.
Coding change: c.190A>C on transcript NM_002427.4 (MANE Select); coding-DNA position 190, A replaced by C.
Protein change: p.Met64Leu; replaces methionine 64 with leucine.
Molecular consequence: missense variant.
Genome position (GRCh38, 1-based): chr11:102,955,424, T>G on the plus strand (A>C on the coding strand, the complement: MMP13 is on the minus strand). VCF-style: chr11-102955424-T-G. GRCh37 (hg19) VCF-style: chr11-102826153-T-G.
Other names: short protein forms M64L.
Identifiers: ClinVar variation 1063053 (VCV001063053.11), dbSNP rs111947721, ClinGen allele CA6252044.
Genomic context (GRCh38, chr11:102,955,424, plus strand): 5'-CAAGTTTGCCAGTCACCTCTAAGCCGAAGAAAGACTGCATTTCTCGGAGCCTCTCAGTCA[T>G]GGAGCTTGCTGCATTCTCCTTCAGGATTCCCGCGAGATTTGTAGGATGGTAGTATGATCT-3'
Protein context (NP_002418.1, residues 54-74): GILKENAASS[Met64Leu]TERLREMQSF

ClinVar aggregate classification (germline): Uncertain significance. Review status: criteria provided, multiple submitters, no conflicts (2 of 4 stars). 2 submissions from 2 submitters: Uncertain significance (2). Last evaluated 2026-01-05.

Allele frequency attached by ClinVar (database versions not stated): ExAC 0.00012; gnomAD exomes 0.00012; 1000 Genomes Project 30x 0.00031; 1000 Genomes Project 0.00040; gnomAD 0.00051 and 0.00055; TOPMed 0.00057; ESP Exome Variant Server 0.00069.
gnomAD v4.1: 132 of 1,614,082 alleles (0.0082%); highest among the groups gnomAD compares: African/African-American, 0.15%; no homozygotes.

Submissions (2):

Labcorp Genetics (formerly Invitae), Labcorp
Classification: Uncertain significance. Last evaluated: 2026-01-05. Review status: criteria provided, single submitter. Criteria: Invitae Variant Classification Sherloc (09022015). Collection method: clinical testing. Allele origin: germline.
Comment: This sequence change replaces methionine, which is neutral and non-polar, with leucine, which is neutral and non-polar, at codon 64 of the MMP13 protein (p.Met64Leu). This variant is present in population databases (rs111947721, gnomAD 0.2%). This variant has not been reported in the literature in individuals affected with MMP13-related conditions. ClinVar contains an entry for this variant (Variation ID: 1063053). Invitae Evidence Modeling of protein sequence and biophysical properties (such as structural, functional, and spatial information, amino acid conservation, physicochemical variation, residue mobility, and thermodynamic stability) indicates that this missense variant is not expected to disrupt MMP13 protein function with a negative predictive value of 80%. In summary, the available evidence is currently insufficient to determine the role of this variant in disease. Therefore, it has been classified as a Variant of Uncertain Significance.

Women's Health and Genetics/Laboratory Corporation of America, LabCorp
Classification: Uncertain significance. Last evaluated: 2025-11-19. Review status: criteria provided, single submitter. Criteria: LabCorp Variant Classification Summary - May 2015. Collection method: clinical testing. Allele origin: germline.
Comment: Variant summary: MMP13 c.190A>C (p.Met64Leu) results in a conservative amino acid change located in the Peptidoglycan binding-like domain (IPR002477) of the encoded protein sequence. Algorithms developed to predict the effect of missense changes on protein structure and function all suggest that this variant is likely to be tolerated. The variant allele was found at a frequency of 0.00012 in 251408 control chromosomes. This frequency is not significantly higher than estimated for disease-causing variants in MMP13-related Autotomal Recessive Metaphyseal dysplasia, Spahr type, allowing no conclusion about variant significance. To our knowledge, no occurrence of c.190A>C in individuals affected with MMP13-related conditions and no experimental evidence demonstrating its impact on protein function have been reported. ClinVar contains an entry for this variant (Variation ID: 1063053). Based on the evidence outlined above, the variant was classified as uncertain significance.